The following is an entry in ClinVar:

ClinVar aggregate classification (germline): Uncertain significance. Review status: criteria provided, multiple submitters, no conflicts (2 of 4 stars). 3 submissions from 3 submitters: Uncertain significance (3). Last evaluated 2026-02-12.

Conditions:
TMEM132E-related disorder. Also called: TMEM132E-related condition.

gnomAD v4.1: 321 of 1,614,034 alleles (0.02%); highest among the groups gnomAD compares: Non-Finnish European, 0.026%; no homozygotes.

Submissions (3):

PreventionGenetics, part of Exact Sciences
Classification: Uncertain significance for TMEM132E-related condition. Last evaluated: 2026-02-12. Review status: criteria provided, single submitter. Criteria: ACMG Guidelines, 2015. Collection method: clinical testing. Allele origin: germline.
Comment: The TMEM132E c.1591A>G variant is predicted to result in the amino acid substitution p.Thr531Ala. To our knowledge, this variant has not been reported in the literature. This variant is reported in 0.011% of alleles in individuals of European (Non-Finnish) descent in gnomAD. At this time, the clinical significance of this variant is uncertain due to the absence of conclusive functional and genetic evidence.

Ambry Genetics
Classification: Uncertain significance. Last evaluated: 2025-05-03. Review status: criteria provided, single submitter. Criteria: Ambry Variant Classification Scheme 2023. Collection method: clinical testing. Allele origin: germline.

Blueprint Genetics
Classification: Uncertain significance. Last evaluated: 2024-08-26. Review status: criteria provided, single submitter. Criteria: ACMG Guidelines, 2015. Collection method: clinical testing. Allele origin: germline.

NM_001304438.2(TMEM132E):c.1591A>G (p.Thr531Ala)

Gene: TMEM132E (transmembrane protein 132E; plus strand). Cytogenetic location: 17q12.
Variant type: single nucleotide variant.
Coding change: c.1591A>G on transcript NM_001304438.2 (MANE Select); coding-DNA position 1591, A replaced by G.
Protein change: p.Thr531Ala; replaces threonine 531 with alanine.
Molecular consequence: missense variant.
Genome position (GRCh38, 1-based): chr17:34,632,812, A>G. VCF-style: chr17-34632812-A-G. GRCh37 (hg19) VCF-style: chr17-32959831-A-G.
Other names: NM_207313.1:c.1321A>G; c.1591A>G (NM_001304438.1); short protein forms T531A.
Identifiers: ClinVar variation 3970069 (VCV003970069.3).